The following is an entry in ClinVar:

NM_024408.4(NOTCH2):c.4860-164A>G

Gene: NOTCH2 (notch receptor 2; minus strand). Cytogenetic location: 1p12.
Variant type: single nucleotide variant.
Coding change: c.4860-164A>G on transcript NM_024408.4 (MANE Select); 164 bases into the intron before coding-DNA position 4860, A replaced by G.
Molecular consequence: intron variant.
Genome position (GRCh38, 1-based): chr1:119,922,942, T>C on the plus strand (A>G on the coding strand, the complement: NOTCH2 is on the minus strand). VCF-style: chr1-119922942-T-C. GRCh37 (hg19) VCF-style: chr1-120465565-T-C.
Identifiers: ClinVar variation 2570731 (VCV002570731.27), dbSNP rs749668081, ClinGen allele CA30318257.
Genomic context (GRCh38, chr1:119,922,942, plus strand): 5'-CTCCCCTTCAGCATCAGGTCCCCACCTCTGGGATGCTGCCTTAAGACATATCTCAGGAAT[T>C]AGAATACTGTCCCTTGAGATCTTAAACACTAATTCCCACATAGAGGATGTCCCACCTTCC-3'

ClinVar aggregate classification (germline): Likely benign (1 of 4 stars; one submission).

Allele frequency attached by ClinVar (database versions not stated): gnomAD 0.00072; TOPMed 0.00079.
gnomAD v4.1: 112 of 152,314 alleles (0.074%); highest among the groups gnomAD compares: Non-Finnish European, 0.12%; no homozygotes.

Submission:

CeGaT Center for Human Genetics Tuebingen
Classification: Likely benign. Last evaluated: 2026-04-01. Review status: criteria provided, single submitter. Criteria: CeGaT Center For Human Genetics Tuebingen Variant Classification Criteria Version 2. Collection method: clinical testing. Allele origin: germline. Affected: yes. Observed: 7 variant alleles.
Comment: NOTCH2: BS1